The following is an entry in ClinVar:

NM_006297.3(XRCC1):c.483G>A (p.Pro161=)

Gene: XRCC1 (X-ray repair cross complementing 1; minus strand). Cytogenetic location: 19q13.31.
Variant type: single nucleotide variant.
Coding change: c.483G>A on transcript NM_006297.3 (MANE Select); coding-DNA position 483, G replaced by A.
Protein change: p.Pro161=; no amino-acid change (proline 161 retained).
Molecular consequence: synonymous variant.
Genome position (GRCh38, 1-based): chr19:43,553,615, C>T on the plus strand (G>A on the coding strand, the complement: XRCC1 is on the minus strand). VCF-style: chr19-43553615-C-T. GRCh37 (hg19) VCF-style: chr19-44057767-C-T.
Identifiers: ClinVar variation 736813 (VCV000736813.5), dbSNP rs149187925, ClinGen allele CA9488778.

ClinVar aggregate classification (germline): Benign. Review status: criteria provided, single submitter (1 of 4 stars). 2 submissions from 2 submitters: Benign (1). 1 of the submissions does not count toward it. Last evaluated 2018-04-10.

Conditions:
XRCC1-related disorder. Also called: XRCC1-related condition.

Allele frequency attached by ClinVar (database versions not stated): gnomAD 0.00137 and 0.00147; TOPMed 0.00166; 1000 Genomes Project 0.00180; 1000 Genomes Project 30x 0.00219; ESP Exome Variant Server 0.00231.
gnomAD v4.1: 524 of 1,587,138 alleles (0.033%); highest among the groups gnomAD compares: African/African-American, 0.49%; 2 homozygotes.

Submissions (2):

Labcorp Genetics (formerly Invitae), Labcorp
Classification: Benign. Last evaluated: 2018-04-10. Review status: criteria provided, single submitter. Criteria: Invitae Variant Classification Sherloc (09022015). Collection method: clinical testing. Allele origin: germline.

PreventionGenetics, part of Exact Sciences
Classification: Likely benign for XRCC1-related condition. Last evaluated: 2019-10-28. Review status: no assertion criteria provided. Collection method: clinical testing. Allele origin: germline. Not counted in ClinVar's aggregate classification.
Comment: This variant is classified as likely benign based on ACMG/AMP sequence variant interpretation guidelines (Richards et al. 2015 PMID: 25741868, with internal and published modifications).